The following is an entry in ClinVar:

NM_004360.5(CDH1):c.1680G>A (p.Thr560=)

Gene: CDH1 (cadherin 1; plus strand). Cytogenetic location: 16q22.1.
Variant type: single nucleotide variant.
Coding change: c.1680G>A on transcript NM_004360.5 (MANE Select); coding-DNA position 1680, G replaced by A.
Protein change: p.Thr560=; no amino-acid change (threonine 560 retained).
Molecular consequence: synonymous variant. On other transcripts: intron variant (1).
Genome position (GRCh38, 1-based): chr16:68,819,394, G>A. VCF-style: chr16-68819394-G-A. GRCh37 (hg19) VCF-style: chr16-68853297-G-A.
Other names: c.1497G>A, p.Thr499= (NM_001317184.2); c.132G>A, p.Thr44= (NM_001317185.2); c.-254-2607G>A (NM_001317186.2); c.1680G>A (LRG_301t1).
Identifiers: ClinVar variation 183731 (VCV000183731.24), dbSNP rs35741240, ClinGen allele CA186258.
Genomic context (GRCh38, chr16:68,819,394, plus strand): 5'-TGCCATTTCCACTCGGGCTGAGCTGGACAGGGAGGATTTTGAGCACGTGAAGAACAGCAC[G>A]TACACAGCCCTAATCATAGCTACAGACAATGGTAAGGGGGCCTCATCTGAGCCTTTGCTG-3'
Protein context (NP_004351.1, residues 550-570): REDFEHVKNS[Thr560=]YTALIIATDN

ClinVar aggregate classification (germline): Conflicting classifications of pathogenicity. Review status: criteria provided, conflicting classifications (1 of 4 stars). 10 submissions from 9 submitters: Uncertain significance (1); Benign (2); Likely benign (7). Last evaluated 2026-01-19.

Conditions:
Hereditary cancer-predisposing syndrome. Also called: Neoplastic Syndromes, Hereditary; Hereditary neoplastic syndrome; Hereditary Cancer Syndrome; Tumor predisposition. Identifiers: Orphanet 140162, MedGen C0027672, MeSH D009386, MONDO:0015356.
Hereditary diffuse gastric adenocarcinoma (HDGC). Also called: DIFFUSE GASTRIC AND LOBULAR BREAST CANCER SYNDROME. Identifiers: Orphanet 26106, MedGen C1708349, MONDO:0007648, OMIM 137215.
Prostate cancer. Also called: Malignant tumor of prostate. Identifiers: Orphanet 1331, MedGen C0376358, MONDO:0008315, HP:0012125.

Allele frequency attached by ClinVar (database versions not stated): TOPMed 0.00002.
gnomAD v4.1: 15 of 1,613,630 alleles (0.00093%); highest among the groups gnomAD compares: Middle Eastern, 0.017%; no homozygotes.

Submissions (10):

Labcorp Genetics (formerly Invitae), Labcorp
Classification: Likely benign for Hereditary diffuse gastric adenocarcinoma. Last evaluated: 2026-01-19. Review status: criteria provided, single submitter. Criteria: Invitae Variant Classification Sherloc (09022015). Collection method: clinical testing. Allele origin: germline.

KCCC/NGS Laboratory, Kuwait Cancer Control Center
Classification: Benign for Hereditary diffuse gastric adenocarcinoma. Last evaluated: 2025-02-01. Review status: criteria provided, single submitter. Criteria: ACMG Guidelines, 2015. Collection method: clinical testing. Allele origin: germline. Affected: no.

Myriad Genetics, Inc.
Classification: Benign for Hereditary diffuse gastric adenocarcinoma. Last evaluated: 2024-09-19. Review status: criteria provided, single submitter. Criteria: Myriad Autosomal Dominant, Autosomal Recessive and X-Linked Classification Criteria (2023). Collection method: clinical testing. Allele origin: unknown.
Comment: This variant is considered benign. This variant is a silent/synonymous amino acid change and it is not expected to impact splicing.

Blueprint Genetics
Classification: Likely benign. Last evaluated: 2024-05-21. Review status: criteria provided, single submitter. Criteria: ACMG Guidelines, 2015. Collection method: clinical testing. Allele origin: germline.

KCCC/NGS Laboratory, Kuwait Cancer Control Center
Classification: Likely benign for Familial prostate cancer. Last evaluated: 2023-07-07. Review status: criteria provided, single submitter. Criteria: ACMG Guidelines, 2015. Collection method: clinical testing. Allele origin: germline. Affected: yes.

European Reference Network on Genetic Tumour Risk Syndromes (ERN-GENTURIS), i3s - Instituto de Investigação e Inovação em Saúde, University of Porto
Classification: Uncertain significance for Hereditary diffuse gastric adenocarcinoma. Last evaluated: 2022-08-01. Review status: criteria provided, single submitter. Criteria: Lee et al. (Hum Mutat. 2018). Collection method: clinical testing. Allele origin: germline. Inheritance: Autosomal dominant inheritance. Affected: no. Study: ERN GENTURIS.
Comment: PM2 (PMID: 30311375)

GeneDx
Classification: Likely benign. Last evaluated: 2018-06-21. Review status: criteria provided, single submitter. Criteria: GeneDx Variant Classification Process June 2021. Collection method: clinical testing. Allele origin: germline. Affected: yes.

Quest Diagnostics Nichols Institute San Juan Capistrano
Classification: Likely benign. Last evaluated: 2016-08-24. Review status: criteria provided, single submitter. Criteria: Quest Diagnostics criteria. Collection method: clinical testing. Allele origin: germline.

Color Diagnostics, LLC DBA Color Health
Classification: Likely benign for Hereditary cancer-predisposing syndrome. Last evaluated: 2016-01-22. Review status: criteria provided, single submitter. Criteria: ACMG Guidelines, 2015. Collection method: clinical testing. Allele origin: germline.

Ambry Genetics
Classification: Likely benign for Hereditary cancer-predisposing syndrome. Last evaluated: 2014-10-17. Review status: criteria provided, single submitter. Criteria: Ambry Variant Classification Scheme 2023. Collection method: clinical testing. Allele origin: germline.

Literature cited by the submitters: PubMed 36436516 (cited by European Reference Network on Genetic Tumour Risk Syndromes (ERN-GENTURIS), i3s - Instituto de Investigação e Inovação em Saúde, University of Porto).